The following is an entry in ClinVar:

NM_144736.5(NDUFAF7):c.1199A>G (p.Glu400Gly)

Gene: NDUFAF7 (NADH:ubiquinone oxidoreductase complex assembly factor 7; plus strand). Cytogenetic location: 2p22.2.
Variant type: single nucleotide variant.
Coding change: c.1199A>G on transcript NM_144736.5 (MANE Select); coding-DNA position 1199, A replaced by G.
Protein change: p.Glu400Gly; replaces glutamic acid 400 with glycine.
Molecular consequence: missense variant. On other transcripts: non-coding transcript variant (10), intron variant (2).
Genome position (GRCh38, 1-based): chr2:37,248,223, A>G. VCF-style: chr2-37248223-A-G. GRCh37 (hg19) VCF-style: chr2-37475366-A-G.
Other names: c.905A>G, p.Glu302Gly (NM_001083946.2); c.986A>G, p.Glu329Gly (NM_001350027.2); c.1111-35A>G (NM_001350024.2); c.1030-35A>G (NM_001350025.2); c.905A>G (NM_001083946.1); short protein forms E329G, E400G, E302G.
Identifiers: ClinVar variation 3670830 (VCV003670830.3).

ClinVar aggregate classification (germline): Uncertain significance. Review status: criteria provided, multiple submitters, no conflicts (2 of 4 stars). 2 submissions from 2 submitters: Uncertain significance (2). Last evaluated 2025-12-25.

Submissions (2):

Labcorp Genetics (formerly Invitae), Labcorp
Classification: Uncertain significance. Last evaluated: 2025-12-25. Review status: criteria provided, single submitter. Criteria: Invitae Variant Classification Sherloc (09022015). Collection method: clinical testing. Allele origin: germline.
Comment: This sequence change replaces glutamic acid, which is acidic and polar, with glycine, which is neutral and non-polar, at codon 302 of the NDUFAF7 protein (p.Glu302Gly). This variant is present in population databases (rs373462689, gnomAD 0.06%), and has an allele count higher than expected for a pathogenic variant. This variant has not been reported in the literature in individuals affected with NDUFAF7-related conditions. ClinVar contains an entry for this variant (Variation ID: 3670830). An algorithm developed to predict the effect of missense changes on protein structure and function (PolyPhen-2) suggests that this variant is likely to be tolerated. In summary, the available evidence is currently insufficient to determine the role of this variant in disease. Therefore, it has been classified as a Variant of Uncertain Significance.

Ambry Genetics
Classification: Uncertain significance. Last evaluated: 2025-03-20. Review status: criteria provided, single submitter. Criteria: Ambry Variant Classification Scheme 2023. Collection method: clinical testing. Allele origin: germline.